The following is an entry in ClinVar:

NM_004006.3(DMD):c.4345-3C>G

Gene: DMD (dystrophin; minus strand). Cytogenetic location: Xp21.1.
Variant type: single nucleotide variant.
Coding change: c.4345-3C>G on transcript NM_004006.3 (MANE Select); 3 bases into the intron before coding-DNA position 4345, C replaced by G.
Molecular consequence: intron variant.
Genome position (GRCh38, 1-based): chrX:32,389,677, G>C on the plus strand (C>G on the coding strand, the complement: DMD is on the minus strand). VCF-style: chrX-32389677-G-C. GRCh37 (hg19) VCF-style: chrX-32407794-G-C.
Other names: c.4321-3C>G (NM_000109.4); c.322-3C>G (NM_004011.4); c.313-3C>G (NM_004012.4); c.4333-3C>G (NM_004009.3); c.3976-3C>G (NM_004010.3).
Identifiers: ClinVar variation 931998 (VCV000931998.4), dbSNP rs2097987224, ClinGen allele CA1139667365.

ClinVar aggregate classification (germline): Conflicting classifications of pathogenicity. Review status: criteria provided, conflicting classifications (1 of 4 stars). 2 submissions from 2 submitters: Pathogenic (1); Uncertain significance (1). Last evaluated 2021-12-01.

Conditions:
Dilated cardiomyopathy 3B (CMD3B). Also called: CMD3B: DMD-Related Dilated Cardiomyopathy; CARDIOMYOPATHY, DILATED, X-LINKED; DMD-Associated Dilated Cardiomyopathy. Identifiers: Orphanet 154, MedGen C3668940, MONDO:0010542, OMIM 302045.

Submissions (2):

AiLife Diagnostics
Classification: Uncertain significance. Last evaluated: 2021-12-01. Review status: criteria provided, single submitter. Criteria: ACMG Guidelines, 2015. Collection method: clinical testing. Allele origin: germline. Affected: yes. Observed: 1 variant allele.

Centre for Mendelian Genomics, University Medical Centre Ljubljana
Classification: Pathogenic for Dilated cardiomyopathy 3B. Last evaluated: 2016-01-01. Review status: criteria provided, single submitter. Criteria: ACMG Guidelines, 2015. Collection method: clinical testing. Allele origin: unknown. Affected: yes.
Comment: This variant was classified as: Pathogenic. The following ACMG criteria were applied in classifying this variant: PM2,PP3,PP4. This variant was detected in hemizygous state.